The following is an entry in ClinVar:

ClinVar aggregate classification (germline): Uncertain significance (1 of 4 stars; one submission).

Submission:

CeGaT Center for Human Genetics Tuebingen
Classification: Uncertain significance. Last evaluated: 2026-04-01. Review status: criteria provided, single submitter. Criteria: CeGaT Center For Human Genetics Tuebingen Variant Classification Criteria Version 2. Collection method: clinical testing. Allele origin: germline. Affected: yes. Observed: 1 variant allele.
Comment: SLC19A1: PM2, BP4

NC_000021.9:g.45498343_45498344insGCCACCACGGTCCCCTCTC

Genes: COL18A1 (collagen type XVIII alpha 1 chain; plus strand), SLC19A1 (solute carrier family 19 member 1; minus strand). Cytogenetic location: 21q22.3.
Variant type: Insertion.
Molecular consequence: intron variant (on NM_001379500.1).
Genome position: GRCh38 VCF-style: chr21-45498332-G-GGGTCCCCTCTCGCCACCAC. GRCh37 (hg19) VCF-style: chr21-46918246-G-GGGTCCCCTCTCGCCACCAC.
Other names: c.2683+682_2683+683insGCCACCACGGTCCCCTCTC (NM_001379500.1); c.3928+682_3928+683insGCCACCACGGTCCCCTCTC (NM_130444.3); c.3223+682_3223+683insGCCACCACGGTCCCCTCTC (NM_030582.4).
Identifiers: ClinVar variation 4874301 (VCV004874301.2).
Genomic context (GRCh38, chr21:45,498,332, plus strand): 5'-CCTCGGGCGCCTTTCACCACCAGGGTCCCCTCTCGCCGCCACGGTCCCCTCTCGCCGCCA[G>GGGTCCCCTCTCGCCACCAC]GGTCCCCTCTCACCGCCAGGGTTCCCTCTCGCCACCACGGTCCCCTCTCGCCGCCAGGGT-3'